The following is an entry in ClinVar:

NM_005060.4(RORC):c.177G>C (p.Gln59His)

Gene: RORC (RAR related orphan receptor C; minus strand). Cytogenetic location: 1q21.3.
Variant type: single nucleotide variant.
Coding change: c.177G>C on transcript NM_005060.4 (MANE Select); coding-DNA position 177, G replaced by C.
Protein change: p.Gln59His; replaces glutamine 59 with histidine.
Molecular consequence: missense variant.
Genome position (GRCh38, 1-based): chr1:151,816,785, C>G on the plus strand (G>C on the coding strand, the complement: RORC is on the minus strand). VCF-style: chr1-151816785-C-G. GRCh37 (hg19) VCF-style: chr1-151789261-C-G.
Other names: c.114G>C, p.Gln38His (LRG_1322t2, NM_001001523.2); c.177G>C, p.Gln59His (LRG_1322t1); short protein forms Q59H, Q38H.
Identifiers: ClinVar variation 661887 (VCV000661887.6), dbSNP rs200449406, ClinGen allele CA1095970.

ClinVar aggregate classification (germline): Uncertain significance (1 of 4 stars; one submission).

Conditions:
Autosomal recessive mendelian susceptibility to mycobacterial diseases due to complete RORgamma receptor deficiency. Also called: Immunodeficiency 42. Identifiers: Orphanet 477857, MedGen C5567647, MONDO:0014710, OMIM 616622.

Allele frequency attached by ClinVar (database versions not stated): gnomAD exomes below 0.00001 and 0.00002; ExAC 0.00001.
gnomAD v4.1: 12 of 1,551,514 alleles (0.00077%); highest among the groups gnomAD compares: Non-Finnish European, 0.001%; no homozygotes.

Submission:

Labcorp Genetics (formerly Invitae), Labcorp
Classification: Uncertain significance for Autosomal recessive mendelian susceptibility to mycobacterial diseases due to complete RORgamma receptor deficiency. Last evaluated: 2021-09-01. Review status: criteria provided, single submitter. Criteria: Invitae Variant Classification Sherloc (09022015). Collection method: clinical testing. Allele origin: germline.
Comment: This sequence change replaces glutamine with histidine at codon 59 of the RORC protein (p.Gln59His). The glutamine residue is highly conserved and there is a small physicochemical difference between glutamine and histidine. This variant is present in population databases (rs200449406, ExAC 0.002%). This variant has not been reported in the literature in individuals affected with RORC-related conditions. Algorithms developed to predict the effect of missense changes on protein structure and function are either unavailable or do not agree on the potential impact of this missense change (SIFT: "Deleterious"; PolyPhen-2: "Probably Damaging"; Align-GVGD: "Class C0"). In summary, the available evidence is currently insufficient to determine the role of this variant in disease. Therefore, it has been classified as a Variant of Uncertain Significance.